The following is an entry in ClinVar:

NM_003070.5(SMARCA2):c.4135A>C (p.Asn1379His)

Gene: SMARCA2 (SWI/SNF related BAF chromatin remodeling complex subunit ATPase 2; plus strand). Cytogenetic location: 9p24.3.
Variant type: single nucleotide variant.
Coding change: c.4135A>C on transcript NM_003070.5 (MANE Select); coding-DNA position 4135, A replaced by C.
Protein change: p.Asn1379His; replaces asparagine 1379 with histidine.
Molecular consequence: missense variant.
Genome position (GRCh38, 1-based): chr9:2,161,839, A>C. VCF-style: chr9-2161839-A-C. GRCh37 (hg19) VCF-style: chr9-2161839-A-C.
Other names: c.4135A>C, p.Asn1379His (NM_001289396.2, NM_139045.4); c.3961A>C, p.Asn1321His (NM_001289397.2); c.163A>C, p.Asn55His (NM_001289398.2); c.247A>C, p.Asn83His (NM_001289399.2); c.253A>C, p.Asn85His (NM_001289400.2); short protein forms N1321H, N1379H, N55H, N83H, N85H.
Identifiers: ClinVar variation 3235861 (VCV003235861.1), dbSNP rs2537507899, ClinGen allele CA372786994.
Genomic context (GRCh38, chr9:2,161,839, plus strand): 5'-GAAGATGTGGAAAAAGCTAAGAAGAGAAGAGGCCGCCCTCCCGCTGAGAAACTGTCACCA[A>C]ATCCCCCCAAACTGACAAAGCAGATGAACGCTATCATCGATACTGTGATAAACTACAAAG-3'
Protein context (NP_003061.3, residues 1369-1389): GRPPAEKLSP[Asn1379His]PPKLTKQMNA

ClinVar aggregate classification (germline): Uncertain significance (1 of 4 stars; one submission).

Submission:

Greenwood Genetic Center Diagnostic Laboratories, Greenwood Genetic Center
Classification: Uncertain significance. Last evaluated: 2024-01-29. Review status: criteria provided, single submitter. Criteria: ACMG Guidelines, 2015. Collection method: clinical testing. Allele origin: germline. Affected: yes.
Comment: PM2